The following is an entry in ClinVar:

ClinVar aggregate classification (germline): Uncertain significance (1 of 4 stars; one submission).

gnomAD v4.1: 2 of 1,613,830 alleles (0.00012%); highest among the groups gnomAD compares: South Asian, 0.0011%; no homozygotes.

Submission:

Ambry Genetics
Classification: Uncertain significance. Last evaluated: 2023-08-23. Review status: criteria provided, single submitter. Criteria: Ambry Variant Classification Scheme 2023. Collection method: clinical testing. Allele origin: germline.
Comment: The c.541G>C variant (also known as p.E181Q), located in coding exon 2 of the GALNT12 gene, results from a G to C substitution at nucleotide position 541. The amino acid change results in glutamic acid to glutamine at codon 181, an amino acid with highly similar properties. However, this change occurs in the last base pair of coding exon 2, which makes it likely to have some effect on normal mRNA splicing. This nucleotide position is highly conserved in available vertebrate species. This amino acid position is well conserved in available vertebrate species. In silico splice site analysis for this alteration is inconclusive. In addition, as a missense substitution this is predicted to be tolerated by in silico analysis. The evidence for this gene-disease relationship is limited; therefore, the clinical significance of this alteration is unclear.

NM_024642.5(GALNT12):c.541G>C (p.Glu181Gln)

Gene: GALNT12 (polypeptide N-acetylgalactosaminyltransferase 12; plus strand). Cytogenetic location: 9q22.33.
Variant type: single nucleotide variant.
Coding change: c.541G>C on transcript NM_024642.5 (MANE Select); coding-DNA position 541, G replaced by C.
Protein change: p.Glu181Gln; replaces glutamic acid 181 with glutamine.
Molecular consequence: missense variant.
Genome position (GRCh38, 1-based): chr9:98,823,425, G>C. VCF-style: chr9-98823425-G-C. GRCh37 (hg19) VCF-style: chr9-101585707-G-C.
Other names: short protein forms E181Q.
Identifiers: ClinVar variation 2598992 (VCV002598992.2), dbSNP rs2490492917, ClinGen allele CA374216919.